The following is an entry in ClinVar:

ClinVar aggregate classification (germline): Likely pathogenic (1 of 4 stars; one submission).

Allele frequency attached by ClinVar (database versions not stated): gnomAD exomes below 0.00001; TOPMed below 0.00001; ExAC 0.00001; gnomAD 0.00001; ESP Exome Variant Server 0.00008.

Submission:

GeneDx
Classification: Likely pathogenic. Last evaluated: 2023-10-20. Review status: criteria provided, single submitter. Criteria: GeneDx Variant Classification Process June 2021. Collection method: clinical testing. Allele origin: germline. Affected: yes.
Comment: Nonsense variant predicted to result in protein truncation or nonsense mediated decay in a gene for which loss-of-function is a known mechanism of disease; Not observed at significant frequency in large population cohorts (gnomAD); Has not been previously published as pathogenic or benign to our knowledge

NM_016302.4(CRBN):c.235C>T (p.Gln79Ter)

Gene: CRBN (cereblon; minus strand). Cytogenetic location: 3p26.2.
Variant type: single nucleotide variant.
Coding change: c.235C>T on transcript NM_016302.4 (MANE Select); coding-DNA position 235, C replaced by T.
Protein change: p.Gln79Ter; replaces glutamine 79 with a stop codon.
Molecular consequence: nonsense.
Genome position (GRCh38, 1-based): chr3:3,174,201, G>A on the plus strand (C>T on the coding strand, the complement: CRBN is on the minus strand). VCF-style: chr3-3174201-G-A. GRCh37 (hg19) VCF-style: chr3-3215885-G-A.
Other names: c.232C>T, p.Gln78Ter (NM_001173482.1); short protein forms Q78*, Q79*.
Identifiers: ClinVar variation 1196420 (VCV001196420.3), dbSNP rs377356443, ClinGen allele CA2229333.